The following is an entry in ClinVar:

ClinVar aggregate classification (germline): Uncertain significance. Review status: criteria provided, multiple submitters, no conflicts (2 of 4 stars). 5 submissions from 5 submitters: Uncertain significance (5). Last evaluated 2026-06-01.

Conditions:
NPHP4-related disorder. Also called: NPHP4-related disorders; NPHP4-related condition. Identifiers: MedGen CN239384.
Nephronophthisis. Also called: Juvenile Nephronophthisis. Identifiers: Orphanet 655, MedGen C0687120, MONDO:0019005, HP:0000090.
Nephronophthisis 4 (NPHP4). Also called: NEPHRONOPHTHISIS 4, JUVENILE. Identifiers: Orphanet 655, MedGen C1847013, MONDO:0011752, OMIM 606966.
Senior-Loken syndrome 4 (SLSN4). Identifiers: Orphanet 3156, MedGen C1846979, MONDO:0011756, OMIM 606996.

Allele frequency attached by ClinVar (database versions not stated): ExAC 0.00005; gnomAD exomes 0.00008; gnomAD 0.00022 and 0.00024; TOPMed 0.00053.

Submissions (5):

PreventionGenetics, part of Exact Sciences
Classification: Uncertain significance for NPHP4-related condition. Last evaluated: 2026-06-01. Review status: criteria provided, single submitter. Criteria: ACMG Guidelines, 2015. Collection method: clinical testing. Allele origin: germline.
Comment: The NPHP4 c.790G>A variant is predicted to result in the amino acid substitution p.Val264Ile. To our knowledge, this variant has not been reported in the literature in individuals with NPHP4-related disorders. This variant is reported in 0.024% of alleles in individuals of Latino descent in gnomAD. At this time, the clinical significance of this variant is uncertain due to the absence of conclusive functional and genetic evidence.

Labcorp Genetics (formerly Invitae), Labcorp
Classification: Uncertain significance for Nephronophthisis. Last evaluated: 2025-01-06. Review status: criteria provided, single submitter. Criteria: Invitae Variant Classification Sherloc (09022015). Collection method: clinical testing. Allele origin: germline.
Comment: This sequence change replaces valine, which is neutral and non-polar, with isoleucine, which is neutral and non-polar, at codon 264 of the NPHP4 protein (p.Val264Ile). This variant is present in population databases (rs772753780, gnomAD 0.02%). This variant has not been reported in the literature in individuals affected with NPHP4-related conditions. ClinVar contains an entry for this variant (Variation ID: 595439). Invitae Evidence Modeling of protein sequence and biophysical properties (such as structural, functional, and spatial information, amino acid conservation, physicochemical variation, residue mobility, and thermodynamic stability) indicates that this missense variant is not expected to disrupt NPHP4 protein function with a negative predictive value of 80%. In summary, the available evidence is currently insufficient to determine the role of this variant in disease. Therefore, it has been classified as a Variant of Uncertain Significance.

Blueprint Genetics
Classification: Uncertain significance. Last evaluated: 2024-10-14. Review status: criteria provided, single submitter. Criteria: ACMG Guidelines, 2015. Collection method: clinical testing. Allele origin: germline.

Fulgent Genetics
Classification: Uncertain significance for Nephronophthisis 4; Senior-Loken syndrome 4. Last evaluated: 2024-03-11. Review status: criteria provided, single submitter. Criteria: ACMG Guidelines, 2015. Collection method: clinical testing. Allele origin: germline.

Eurofins Ntd Llc (ga)
Classification: Uncertain significance. Last evaluated: 2017-12-19. Review status: criteria provided, single submitter. Criteria: EGL Classification Definitions 2015. Collection method: clinical testing. Allele origin: germline. Observed: 1 variant allele, 1 heterozygote.

NM_015102.5(NPHP4):c.790G>A (p.Val264Ile)

Gene: NPHP4 (nephrocystin 4; minus strand). Cytogenetic location: 1p36.31.
Variant type: single nucleotide variant.
Coding change: c.790G>A on transcript NM_015102.5 (MANE Select); coding-DNA position 790, G replaced by A.
Protein change: p.Val264Ile; replaces valine 264 with isoleucine.
Molecular consequence: missense variant. On other transcripts: 5 prime UTR variant (1), non-coding transcript variant (1), intron variant (1).
Genome position (GRCh38, 1-based): chr1:5,952,720, C>T on the plus strand (G>A on the coding strand, the complement: NPHP4 is on the minus strand). VCF-style: chr1-5952720-C-T. GRCh37 (hg19) VCF-style: chr1-6012780-C-T.
Other names: c.-577G>A (NM_001291594.2); c.-556-4469G>A (NM_001291593.2); short protein forms V264I.
Identifiers: ClinVar variation 595439 (VCV000595439.15), dbSNP rs772753780, ClinGen allele CA554740.
Genomic context (GRCh38, chr1:5,952,720, plus strand): 5'-TGGCCCCACCCTGCCCCCCATCACGCTTCTGACTCCACACCTCCTGGAAGTGGTCCTGGA[C>T]GTGGAGCTCCAGCAGCTCTTCCTCAAACTTCTCCAGGGAGGGGTACAGGGTGAAGAATAA-3'
Protein context (NP_055917.1, residues 254-274): KFEEELLELH[Val264Ile]QDHFQEGCGP